The following is an entry in ClinVar:

ClinVar aggregate classification (germline): Uncertain significance (1 of 4 stars; one submission).

Conditions:
Hereditary cancer-predisposing syndrome. Also called: Neoplastic Syndromes, Hereditary; Tumor predisposition; Hereditary Cancer Syndrome; Hereditary neoplastic syndrome. Identifiers: Orphanet 140162, MedGen C0027672, MeSH D009386, MONDO:0015356.

Submission:

Ambry Genetics
Classification: Uncertain significance for Hereditary cancer-predisposing syndrome. Last evaluated: 2026-09-11. Review status: criteria provided, single submitter. Criteria: Ambry Variant Classification Scheme 2023. Collection method: clinical testing. Allele origin: germline.
Comment: The p.Y292C variant (also known as c.875A>G), located in coding exon 9 of the RB1 gene, results from an A to G substitution at nucleotide position 875. The tyrosine at codon 292 is replaced by cysteine, an amino acid with highly dissimilar properties. This amino acid position is highly conserved in available vertebrate species. In addition, this alteration is predicted to be deleterious by in silico analysis. Based on the available evidence, the clinical significance of this variant remains unclear.

NM_000321.3(RB1):c.875A>G (p.Tyr292Cys)

Gene: RB1 (RB transcriptional corepressor 1; plus strand). Cytogenetic location: 13q14.2.
Variant type: single nucleotide variant.
Coding change: c.875A>G on transcript NM_000321.3 (MANE Select); coding-DNA position 875, A replaced by G.
Protein change: p.Tyr292Cys; replaces tyrosine 292 with cysteine.
Molecular consequence: missense variant.
Genome position (GRCh38, 1-based): chr13:48,364,907, A>G. VCF-style: chr13-48364907-A-G. GRCh37 (hg19) VCF-style: chr13-48939043-A-G.
Other names: c.875A>G, p.Tyr292Cys (NM_001407165.1, NM_001407166.1); short protein forms Y292C.
Identifiers: ClinVar variation 4151188 (VCV004151188.2).